The following is an entry in ClinVar:

ClinVar aggregate classification (germline): Likely benign (0 of 4 stars; one submission).

Conditions:
TARS2-related disorder. Also called: TARS2-related condition.

Allele frequency attached by ClinVar (database versions not stated): gnomAD 0.00001.
gnomAD v4.1: 1 of 1,613,752 alleles (0.000062%); highest among the groups gnomAD compares: African/African-American, 0.0013%; no homozygotes.

Submission:

PreventionGenetics, part of Exact Sciences
Classification: Likely benign for TARS2-related condition. Last evaluated: 2020-03-20. Review status: no assertion criteria provided. Collection method: clinical testing. Allele origin: germline.
Comment: This variant is classified as likely benign based on ACMG/AMP sequence variant interpretation guidelines (Richards et al. 2015 PMID: 25741868, with internal and published modifications).

NM_025150.5(TARS2):c.1617+5G>A

Gene: TARS2 (threonyl-tRNA synthetase 2, mitochondrial; plus strand). Cytogenetic location: 1q21.2.
Variant type: single nucleotide variant.
Coding change: c.1617+5G>A on transcript NM_025150.5 (MANE Select); 5 bases into the intron after coding-DNA position 1617, G replaced by A.
Molecular consequence: intron variant.
Genome position (GRCh38, 1-based): chr1:150,499,298, G>A. VCF-style: chr1-150499298-G-A. GRCh37 (hg19) VCF-style: chr1-150471774-G-A.
Other names: c.1371+5G>A (NM_001271895.2); c.1227+5G>A (NM_001271896.2).
Identifiers: ClinVar variation 3046733 (VCV003046733.2), dbSNP rs1669807251, ClinGen allele CA1007614417.
Genomic context (GRCh38, chr1:150,499,298, plus strand): 5'-AATTTGGAGAACCCTGGGACCTCAACTCTGGAGATGGTGCCTTCTATGGACCTAAGGTAA[G>A]CTTGGGACCCTGGTTAGTGTTGTATTTATTTATTTTTTGCTTTGTTTTAGTAAATATTTA-3'